The following is an entry in ClinVar:

ClinVar aggregate classification (germline): Uncertain significance. Review status: criteria provided, multiple submitters, no conflicts (2 of 4 stars). 2 submissions from 2 submitters: Uncertain significance (2). Last evaluated 2025-10-28.

Conditions:
RASopathy. Also called: rasopathies; Noonan spectrum disorder. Identifiers: Orphanet 536391, MedGen C5555857, MONDO:0021060.
Cardiofaciocutaneous syndrome 3 (CFC3). Also called: MAP2K1-Related Cardiofaciocutaneous Syndrome. Identifiers: Orphanet 1340, MedGen C3809006, MONDO:0014113, OMIM 615279.
Melorheostosis (MEL). Also called: MELORHEOSTOSIS, ISOLATED. Identifiers: Orphanet 2485, MedGen C3149631, MONDO:0007970, OMIM 155950, HP:6000817.

gnomAD v4.1: 3 of 1,554,258 alleles (0.00019%); highest among the groups gnomAD compares: East Asian, 0.0072%; no homozygotes.

Submissions (2):

Labcorp Genetics (formerly Invitae), Labcorp
Classification: Uncertain significance for RASopathy. Last evaluated: 2025-10-28. Review status: criteria provided, single submitter. Criteria: Invitae Variant Classification Sherloc (09022015). Collection method: clinical testing. Allele origin: germline.
Comment: This sequence change falls in intron 1 of the MAP2K1 gene. It does not directly change the encoded amino acid sequence of the MAP2K1 protein. It affects a nucleotide within the consensus splice site. This variant is present in population databases (no rsID available, gnomAD 0.02%). This variant has not been reported in the literature in individuals affected with MAP2K1-related conditions. ClinVar contains an entry for this variant (Variation ID: 3577598). Variants that disrupt the consensus splice site are a relatively common cause of aberrant splicing (PMID: 17576681, 9536098). Algorithms developed to predict the effect of sequence changes on RNA splicing suggest that this variant may disrupt the consensus splice site. In summary, the available evidence is currently insufficient to determine the role of this variant in disease. Therefore, it has been classified as a Variant of Uncertain Significance.

Fulgent Genetics
Classification: Uncertain significance for Melorheostosis; Cardiofaciocutaneous syndrome 3. Last evaluated: 2024-04-15. Review status: criteria provided, single submitter. Criteria: ACMG Guidelines, 2015. Collection method: clinical testing. Allele origin: germline.

Literature cited by the submitters: PubMed 17576681 (cited by Labcorp Genetics (formerly Invitae), Labcorp); PubMed 9536098 (cited by Labcorp Genetics (formerly Invitae), Labcorp).

NM_002755.4(MAP2K1):c.80+5G>A

Gene: MAP2K1 (mitogen-activated protein kinase kinase 1; plus strand). Cytogenetic location: 15q22.31.
Variant type: single nucleotide variant.
Coding change: c.80+5G>A on transcript NM_002755.4 (MANE Select); 5 bases into the intron after coding-DNA position 80, G replaced by A.
Molecular consequence: intron variant.
Genome position (GRCh38, 1-based): chr15:66,387,432, G>A. VCF-style: chr15-66387432-G-A. GRCh37 (hg19) VCF-style: chr15-66679770-G-A.
Identifiers: ClinVar variation 3577598 (VCV003577598.2).